The following is an entry in ClinVar:

ClinVar aggregate classification (germline): Uncertain significance (1 of 4 stars; one submission).

Submission:

Ambry Genetics
Classification: Uncertain significance. Last evaluated: 2025-12-13. Review status: criteria provided, single submitter. Criteria: Ambry Variant Classification Scheme 2023. Collection method: clinical testing. Allele origin: germline.
Comment: The p.V173I variant (also known as c.517G>A), located in coding exon 5 of the RECQL gene, results from a G to A substitution at nucleotide position 517. The valine at codon 173 is replaced by isoleucine, an amino acid with highly similar properties. This amino acid position is conserved. In addition, this alteration is predicted to be tolerated by in silico analysis. Based on the available evidence, the clinical significance of this variant remains unclear.

NM_002907.4(RECQL):c.517G>A (p.Val173Ile)

Gene: RECQL (RecQ like helicase; minus strand). Cytogenetic location: 12p12.1.
Variant type: single nucleotide variant.
Coding change: c.517G>A on transcript NM_002907.4 (MANE Select); coding-DNA position 517, G replaced by A.
Protein change: p.Val173Ile; replaces valine 173 with isoleucine.
Molecular consequence: missense variant.
Genome position (GRCh38, 1-based): chr12:21,483,559, C>T on the plus strand (G>A on the coding strand, the complement: RECQL is on the minus strand). VCF-style: chr12-21483559-C-T. GRCh37 (hg19) VCF-style: chr12-21636493-C-T.
Other names: c.517G>A, p.Val173Ile (NM_032941.3); short protein forms V173I.
Identifiers: ClinVar variation 4576963 (VCV004576963.1).
Genomic context (GRCh38, chr12:21,483,559, plus strand): 5'-TCTCTGGAGTCACATAAATCAGCTTTAACTCGGAGTTTTTATTTACCATTTCAGCATGAA[C>T]CCATTTAACATGCTCCTATTAAAAGAAAAAAATAGACACAATGATAGTAAAACTAAGCTA-3'
Protein context (NP_002898.2, residues 163-183): ASSSKEHVKW[Val173Ile]HAEMVNKNSE